The following is an entry in ClinVar:

ClinVar aggregate classification (germline): Likely benign (1 of 4 stars; one submission).

gnomAD v4.1: 2 of 1,606,374 alleles (0.00012%); highest among the groups gnomAD compares: Non-Finnish European, 0.00017%; no homozygotes.

Submission:

CeGaT Center for Human Genetics Tuebingen
Classification: Likely benign. Last evaluated: 2024-09-01. Review status: criteria provided, single submitter. Criteria: CeGaT Center For Human Genetics Tuebingen Variant Classification Criteria Version 2. Collection method: clinical testing. Allele origin: germline. Affected: yes. Observed: 1 variant allele.
Comment: NALCN: BP4, BP7

NM_052867.4(NALCN):c.1371C>A (p.Leu457=)

Gene: NALCN (sodium leak channel, non-selective; minus strand). Cytogenetic location: 13q33.1.
Variant type: single nucleotide variant.
Coding change: c.1371C>A on transcript NM_052867.4 (MANE Select); coding-DNA position 1371, C replaced by A.
Protein change: p.Leu457=; no amino-acid change (leucine 457 retained).
Molecular consequence: synonymous variant.
Genome position (GRCh38, 1-based): chr13:101,237,818, G>T on the plus strand (C>A on the coding strand, the complement: NALCN is on the minus strand). VCF-style: chr13-101237818-G-T. GRCh37 (hg19) VCF-style: chr13-101890169-G-T.
Other names: c.1371C>A, p.Leu457= (NM_001350748.2, NM_001350749.2); c.1284C>A, p.Leu428= (NM_001350750.2, NM_001350751.2).
Identifiers: ClinVar variation 3389708 (VCV003389708.14).